The following is an entry in ClinVar:

ClinVar aggregate classification (germline): Uncertain significance. Review status: criteria provided, multiple submitters, no conflicts (2 of 4 stars). 2 submissions from 2 submitters: Uncertain significance (2). Last evaluated 2020-09-18.

Allele frequency attached by ClinVar (database versions not stated): gnomAD exomes below 0.00001.
gnomAD v4.1: 1 of 1,614,126 alleles (0.000062%); highest among the groups gnomAD compares: Non-Finnish European, 0.000085%; no homozygotes.

Submissions (2):

GeneDx
Classification: Uncertain significance. Last evaluated: 2020-09-18. Review status: criteria provided, single submitter. Criteria: GeneDx Variant Classification Process June 2021. Collection method: clinical testing. Allele origin: germline. Affected: yes.
Comment: Not observed in large population cohorts (Lek et al., 2016); In silico analysis supports that this missense variant does not alter protein structure/function; Has not been previously published as pathogenic or benign to our knowledge; Does not affect a cysteine residue within a calcium-binding EGF-like domain of the FBN2 gene; cysteine substitutions in the calcium-binding EGF-like domains represent the majority of pathogenic missense changes associated with FBN2-related disorders (Frederic et al., 2009)

Eurofins Ntd Llc (ga)
Classification: Uncertain significance. Last evaluated: 2017-02-21. Review status: criteria provided, single submitter. Criteria: EGL Classification Definitions 2015. Collection method: clinical testing. Allele origin: germline. Observed: 1 variant allele, 1 heterozygote.

NM_001999.4(FBN2):c.1316G>A (p.Gly439Glu)

Gene: FBN2 (fibrillin 2; minus strand). Cytogenetic location: 5q23.3.
Variant type: single nucleotide variant.
Coding change: c.1316G>A on transcript NM_001999.4 (MANE Select); coding-DNA position 1316, G replaced by A.
Protein change: p.Gly439Glu; replaces glycine 439 with glutamic acid.
Molecular consequence: missense variant.
Genome position (GRCh38, 1-based): chr5:128,393,284, C>T on the plus strand (G>A on the coding strand, the complement: FBN2 is on the minus strand). VCF-style: chr5-128393284-C-T. GRCh37 (hg19) VCF-style: chr5-127728977-C-T.
Other names: short protein forms G439E.
Identifiers: ClinVar variation 500449 (VCV000500449.7), dbSNP rs1554066016, ClinGen allele CA360749670.